The following is an entry in ClinVar:

NM_000256.3(MYBPC3):c.1677G>A (p.Lys559=)

Gene: MYBPC3 (myosin binding protein C3; minus strand). Cytogenetic location: 11p11.2.
Variant type: single nucleotide variant.
Coding change: c.1677G>A on transcript NM_000256.3 (MANE Select); coding-DNA position 1677, G replaced by A.
Protein change: p.Lys559=; no amino-acid change (lysine 559 retained).
Molecular consequence: synonymous variant.
Genome position (GRCh38, 1-based): chr11:47,342,104, C>T on the plus strand (G>A on the coding strand, the complement: MYBPC3 is on the minus strand). VCF-style: chr11-47342104-C-T. GRCh37 (hg19) VCF-style: chr11-47363655-C-T.
Identifiers: ClinVar variation 1332284 (VCV001332284.6), dbSNP rs762369686, ClinGen allele CA078262.

ClinVar aggregate classification (germline): Likely benign. Review status: criteria provided, multiple submitters, no conflicts (2 of 4 stars). 4 submissions from 4 submitters: Likely benign (4). Last evaluated 2025-03-31.

Conditions:
Cardiovascular phenotype. Identifiers: MedGen CN230736.
Cardiomyopathy (CMYO). Also called: Cardiomyopathies. Identifiers: Orphanet 167848, MedGen C0878544, MONDO:0004994, HP:0001638. Inheritance: Various modes of inheritance.
Hypertrophic cardiomyopathy. Also called: HYPERTROPHIC MYOCARDIOPATHY. Identifiers: Orphanet 217569, MedGen C0007194, MeSH D002312, MONDO:0005045, HP:0001639.

Allele frequency attached by ClinVar (database versions not stated): ExAC 0.00001; gnomAD exomes 0.00001; TOPMed 0.00001.
gnomAD v4.1: 11 of 1,614,006 alleles (0.00068%); highest among the groups gnomAD compares: African/African-American, 0.0027%; no homozygotes.

Submissions (4):

Ambry Genetics
Classification: Likely benign for Cardiovascular phenotype. Last evaluated: 2025-03-31. Review status: criteria provided, single submitter. Criteria: Ambry Variant Classification Scheme 2023. Collection method: clinical testing. Allele origin: germline.

Labcorp Genetics (formerly Invitae), Labcorp
Classification: Likely benign for Hypertrophic cardiomyopathy. Last evaluated: 2024-09-02. Review status: criteria provided, single submitter. Criteria: Invitae Variant Classification Sherloc (09022015). Collection method: clinical testing. Allele origin: germline.

All of Us Research Program, National Institutes of Health
Classification: Likely benign for Hypertrophic cardiomyopathy. Last evaluated: 2023-12-18. Review status: criteria provided, single submitter. Criteria: ACMG Guidelines, 2015. Collection method: clinical testing. Allele origin: germline. Inheritance: Autosomal dominant inheritance. Observed: 3 variant alleles, 3 heterozygotes.
Comment: This study involves interpretation of variants in research participants for the purpose of population health screening. Participant phenotype was not available at the time of variant classification. Additional details can be found in publication PMID: 35346344, PMCID: PMC8962531

Color Diagnostics, LLC DBA Color Health
Classification: Likely benign for Cardiomyopathy. Last evaluated: 2021-07-06. Review status: criteria provided, single submitter. Criteria: ACMG Guidelines, 2015. Collection method: clinical testing. Allele origin: germline.